The following is an entry in ClinVar:

NM_000108.5(DLD):c.596C>A (p.Thr199Lys)

Gene: DLD (dihydrolipoamide dehydrogenase; plus strand). Cytogenetic location: 7q31.1.
Variant type: single nucleotide variant.
Coding change: c.596C>A on transcript NM_000108.5 (MANE Select); coding-DNA position 596, C replaced by A.
Protein change: p.Thr199Lys; replaces threonine 199 with lysine.
Molecular consequence: missense variant.
Genome position (GRCh38, 1-based): chr7:107,906,280, C>A. VCF-style: chr7-107906280-C-A. GRCh37 (hg19) VCF-style: chr7-107546725-C-A.
Other names: c.299C>A, p.Thr100Lys (NM_001289750.1); c.527C>A, p.Thr176Lys (NM_001289751.1); c.452C>A, p.Thr151Lys (NM_001289752.1); short protein forms T151K, T199K, T100K, T176K.
Identifiers: ClinVar variation 1487761 (VCV001487761.6), dbSNP rs1336962180, ClinGen allele CA368855760.

ClinVar aggregate classification (germline): Uncertain significance (1 of 4 stars; one submission).

Conditions:
Pyruvate dehydrogenase E3 deficiency (DLDD). Also called: Dihydrolipoamide Dehydrogenase (E3) Deficiency; MAPLE SYRUP URINE DISEASE, TYPE III; Dihydrolipoamide Dehydrogenase Deficiency; Lipoamide dehydrogenase deficiency, lactic acidosis due to; Lipoamide dehydrogenase deficiency; Dihydrolipoamide Dehydrogenase E3 Deficiency. Identifiers: Orphanet 2394, Orphanet 765, MedGen C5574660, MONDO:0009529, OMIM 246900.

Allele frequency attached by ClinVar (database versions not stated): gnomAD exomes below 0.00001.

Submission:

Labcorp Genetics (formerly Invitae), Labcorp
Classification: Uncertain significance for Pyruvate dehydrogenase E3 deficiency. Last evaluated: 2025-09-02. Review status: criteria provided, single submitter. Criteria: Invitae Variant Classification Sherloc (09022015). Collection method: clinical testing. Allele origin: germline.
Comment: This sequence change replaces threonine, which is neutral and polar, with lysine, which is basic and polar, at codon 199 of the DLD protein (p.Thr199Lys). This variant is present in population databases (no rsID available, gnomAD 0.007%). This variant has not been reported in the literature in individuals affected with DLD-related conditions. ClinVar contains an entry for this variant (Variation ID: 1487761). Invitae Evidence Modeling of protein sequence and biophysical properties (such as structural, functional, and spatial information, amino acid conservation, physicochemical variation, residue mobility, and thermodynamic stability) indicates that this missense variant is not expected to disrupt DLD protein function with a negative predictive value of 95%. In summary, the available evidence is currently insufficient to determine the role of this variant in disease. Therefore, it has been classified as a Variant of Uncertain Significance.